The following is an entry in ClinVar:

NM_020297.4(ABCC9):c.2857G>T (p.Glu953Ter)

Gene: ABCC9 (ATP binding cassette subfamily C member 9; minus strand). Cytogenetic location: 12p12.1.
Variant type: single nucleotide variant.
Coding change: c.2857G>T on transcript NM_020297.4 (MANE Select); coding-DNA position 2857, G replaced by T.
Protein change: p.Glu953Ter; replaces glutamic acid 953 with a stop codon.
Molecular consequence: nonsense.
Genome position (GRCh38, 1-based): chr12:21,848,159, C>A on the plus strand (G>T on the coding strand, the complement: ABCC9 is on the minus strand). VCF-style: chr12-21848159-C-A. GRCh37 (hg19) VCF-style: chr12-22001093-C-A.
Other names: c.2857G>T, p.Glu953Ter (NM_001377273.1, NM_005691.4); c.1990G>T, p.Glu664Ter (NM_001377274.1); short protein forms E953*, E664*.
Identifiers: ClinVar variation 4719140 (VCV004719140.1).

ClinVar aggregate classification (germline): Pathogenic (1 of 4 stars; one submission).

Conditions:
Dilated cardiomyopathy 1O (CMD1O). Also called: CARDIOMYOPATHY, DILATED, WITH VENTRICULAR TACHYCARDIA. Identifiers: Orphanet 154, MedGen C1837839, MONDO:0012062, OMIM 608569.

Submission:

Labcorp Genetics (formerly Invitae), Labcorp
Classification: Pathogenic for Dilated cardiomyopathy 1O. Last evaluated: 2025-05-13. Review status: criteria provided, single submitter. Criteria: Invitae Variant Classification Sherloc (09022015). Collection method: clinical testing. Allele origin: germline.
Comment: This sequence change creates a premature translational stop signal (p.Glu953*) in the ABCC9 gene. It is expected to result in an absent or disrupted protein product. Loss-of-function variants in ABCC9 are known to be pathogenic (PMID: 31575858, 38217872). This variant is not present in population databases (gnomAD no frequency). This variant has not been reported in the literature in individuals affected with ABCC9-related conditions. For these reasons, this variant has been classified as Pathogenic.

Literature cited by the submitters: PubMed 31575858; PubMed 38217872.